The following is an entry in ClinVar:

NM_001365951.3(KIF1B):c.*1769C>T

Gene: KIF1B (kinesin family member 1B; plus strand). Cytogenetic location: 1p36.22.
Variant type: single nucleotide variant.
Coding change: c.*1769C>T on transcript NM_001365951.3 (MANE Select); 1769 bases downstream of the stop codon, C replaced by T.
Molecular consequence: 3 prime UTR variant.
Genome position (GRCh38, 1-based): chr1:10,378,356, C>T. VCF-style: chr1-10378356-C-T. GRCh37 (hg19) VCF-style: chr1-10438414-C-T.
Other names: c.*1769C>T (NM_001365952.1, NM_015074.3).
Identifiers: ClinVar variation 3233862 (VCV003233862.2), dbSNP rs570769939, ClinGen allele CA17858724.

ClinVar aggregate classification (germline): Uncertain significance (1 of 4 stars; one submission).

Allele frequency attached by ClinVar (database versions not stated): TOPMed 0.00002; gnomAD 0.00005; gnomAD exomes 0.00006.

Submission:

Women's Health and Genetics/Laboratory Corporation of America, LabCorp
Classification: Uncertain significance. Last evaluated: 2024-03-20. Review status: criteria provided, single submitter. Criteria: LabCorp Variant Classification Summary - May 2015. Collection method: clinical testing. Allele origin: germline.
Comment: Variant summary: KIF1B c.*1769C>T is located in the untranslated mRNA region downstream of the termination codon. The variant allele was found at a frequency of 3.9e-05 in 153474 control chromosomes (gnomAD). The available data on variant occurrences in the general population are insufficient to allow any conclusion about variant significance. To our knowledge, no occurrence of c.*1769C>T in individuals affected with KIF1B-Related Disorders and no experimental evidence demonstrating its impact on protein function have been reported. No submitters have cited clinical-significance assessments for this variant to ClinVar. Based on the evidence outlined above, the variant was classified as uncertain significance.